The following is an entry in ClinVar:

NM_001130144.3(LTBP3):c.1229G>A (p.Ser410Asn)

Gene: LTBP3 (latent transforming growth factor beta binding protein 3; minus strand). Cytogenetic location: 11q13.1.
Variant type: single nucleotide variant.
Coding change: c.1229G>A on transcript NM_001130144.3 (MANE Select); coding-DNA position 1229, G replaced by A.
Protein change: p.Ser410Asn; replaces serine 410 with asparagine.
Molecular consequence: missense variant.
Genome position (GRCh38, 1-based): chr11:65,552,364, C>T on the plus strand (G>A on the coding strand, the complement: LTBP3 is on the minus strand). VCF-style: chr11-65552364-C-T. GRCh37 (hg19) VCF-style: chr11-65319835-C-T.
Other names: c.878G>A, p.Ser293Asn (NM_001164266.1); c.1229G>A, p.Ser410Asn (NM_021070.4); short protein forms S293N, S410N.
Identifiers: ClinVar variation 4101320 (VCV004101320.1).

ClinVar aggregate classification (germline): Uncertain significance (1 of 4 stars; one submission).

Conditions:
Inborn genetic diseases. Identifiers: MedGen C0950123, MeSH D030342.

gnomAD v4.1: 1 of 1,613,984 alleles (0.000062%); highest among the groups gnomAD compares: Non-Finnish European, 0.000085%; no homozygotes.

Submission:

Ambry Genetics
Classification: Uncertain significance for Inborn genetic diseases. Last evaluated: 2025-08-28. Review status: criteria provided, single submitter. Criteria: Ambry Variant Classification Scheme 2023. Collection method: clinical testing. Allele origin: germline.
Comment: The p.S410N variant (also known as c.1229G>A), located in coding exon 7 of the LTBP3 gene, results from a G to A substitution at nucleotide position 1229. The serine at codon 410 is replaced by asparagine, an amino acid with highly similar properties. This amino acid position is conserved. In addition, the in silico prediction for this alteration is inconclusive. Based on the available evidence, the clinical significance of this variant remains unclear.